The following is an entry in ClinVar:

ClinVar aggregate classification (germline): Likely pathogenic (1 of 4 stars; one submission).

Conditions:
Autosomal dominant auditory neuropathy 1. Also called: AUDITORY NEUROPATHY, NONSYNDROMIC DOMINANT. Identifiers: Orphanet 90635, MedGen C1836743, MONDO:0012196, OMIM 609129.

Submission:

Laboratory of Molecular, Cellular and Translation Genetics in Otolaryngology/ Lim32-hcfmusp, University of Sao Paulo School of Medicine Clinics Hospital
Classification: Likely pathogenic for Autosomal dominant auditory neuropathy 1. Last evaluated: 2026-03-01. Review status: criteria provided, single submitter. Criteria: ACMG Guidelines, 2015. Collection method: research. Allele origin: germline. Inheritance: Autosomal dominant inheritance. Affected: yes. Observed: 31 variant alleles, 31 heterozygotes.
Comment: The DIAPH3 5′UTR deletion–insertion variant (c.-216_-46delinsAAGAA) perfectly cosegregated with progressive sensorineural hearing loss or auditory neuropathy in 31 heterozygous individuals from the same family, while it was absent in 32 unaffected family members without hearing complaints. To date, the only validated DIAPH3 variants associated with auditory neuropathy have been identified within the 5′UTR region, specifically within the segment deleted by the present variant.

Literature cited by the submitters: PubMed 42345014.

NC_000013.11:g.60163812_60163982delinsTTCTT

Gene: DIAPH3 (diaphanous related formin 3; minus strand). Cytogenetic location: 13q21.2.
Variant type: Indel.
Genome position: GRCh38: chr13:60,163,812-60,163,982. GRCh37 (hg19): chr13:60,737,946-60,738,116.
Identifiers: ClinVar variation 4876226 (VCV004876226.1).